The following is an entry in ClinVar:

ClinVar aggregate classification (germline): Benign (1 of 4 stars; one submission).

Allele frequency attached by ClinVar (database versions not stated): TOPMed 0.99462; 1000 Genomes Project 0.99880.
gnomAD v4.1: 151,486 of 152,358 alleles (99%); highest among the groups gnomAD compares: Middle Eastern, 100%; 75,313 homozygotes.

Submission:

GeneDx
Classification: Benign. Last evaluated: 2018-06-14. Review status: criteria provided, single submitter. Criteria: GeneDx Variant Classification (06012015). Collection method: clinical testing. Allele origin: germline. Affected: yes.
Comment: This variant is considered likely benign or benign based on one or more of the following criteria: it is a conservative change, it occurs at a poorly conserved position in the protein, it is predicted to be benign by multiple in silico algorithms, and/or has population frequency not consistent with disease.

NM_000256.3(MYBPC3):c.1927+275T>C

Gene: MYBPC3 (myosin binding protein C3; minus strand). Cytogenetic location: 11p11.2.
Variant type: single nucleotide variant.
Coding change: c.1927+275T>C on transcript NM_000256.3 (MANE Select); 275 bases into the intron after coding-DNA position 1927, T replaced by C.
Molecular consequence: intron variant.
Genome position (GRCh38, 1-based): chr11:47,340,728, A>G on the plus strand (T>C on the coding strand, the complement: MYBPC3 is on the minus strand). VCF-style: chr11-47340728-A-G. GRCh37 (hg19) VCF-style: chr11-47362279-A-G.
Identifiers: ClinVar variation 680647 (VCV000680647.1), dbSNP rs2596406, ClinGen allele CA221693492.